The following is an entry in ClinVar:

ClinVar aggregate classification (germline): Uncertain significance. Review status: criteria provided, multiple submitters, no conflicts (2 of 4 stars). 2 submissions from 2 submitters: Uncertain significance (2). Last evaluated 2026-06-18.

Submissions (2):

Women's Health and Genetics/Laboratory Corporation of America, LabCorp
Classification: Uncertain significance. Last evaluated: 2026-06-18. Review status: criteria provided, single submitter. Criteria: LabCorp Variant Classification Summary - May 2015. Collection method: clinical testing. Allele origin: germline.
Comment: Variant summary: MPV17 c.-5-6T>G is located in the untranslated mRNA region upstream of the initiation codon. The variant allele was found at a frequency of 5.2e-05 in 250804 control chromosomes. This frequency is not significantly higher than estimated for disease-causing variants in MPV17, allowing no conclusion about variant significance. To our knowledge, no occurrence of c.-5-6T>G in individuals affected with MPV17-related conditions and no experimental evidence demonstrating its impact on protein function have been reported. ClinVar contains an entry for this variant (Variation ID: 3903198). Based on the evidence outlined above, the variant was classified as uncertain significance.

GeneDx
Classification: Uncertain significance. Last evaluated: 2025-06-16. Review status: criteria provided, single submitter. Criteria: GeneDx Variant Classification Process June 2021. Collection method: clinical testing. Allele origin: germline. Affected: yes.
Comment: In silico analysis supports a deleterious effect on splicing; Has not been previously published as pathogenic or benign to our knowledge

NM_002437.5(MPV17):c.-5-6T>G

Genes: MPV17 (mitochondrial inner membrane protein MPV17; minus strand), LOC129933372 (ATAC-STARR-seq lymphoblastoid active region 15495; plus strand). Cytogenetic location: 2p23.3.
Variant type: single nucleotide variant.
Coding change: c.-5-6T>G on transcript NM_002437.5 (MANE Select); 6 bases into the intron before 5 bases upstream of the start codon, T replaced by G.
Molecular consequence: intron variant.
Genome position (GRCh38, 1-based): chr2:27,322,528, A>C on the plus strand (T>G on the coding strand, the complement: MPV17 is on the minus strand). VCF-style: chr2-27322528-A-C. GRCh37 (hg19) VCF-style: chr2-27545395-A-C.
Identifiers: ClinVar variation 3903198 (VCV003903198.2).